The following is an entry in ClinVar:

NM_054012.4(ASS1):c.872A>C (p.Tyr291Ser)

Gene: ASS1 (argininosuccinate synthase 1; plus strand). Cytogenetic location: 9q34.11.
Variant type: single nucleotide variant.
Coding change: c.872A>C on transcript NM_054012.4 (MANE Select); coding-DNA position 872, A replaced by C.
Protein change: p.Tyr291Ser; replaces tyrosine 291 with serine.
Molecular consequence: missense variant.
Genome position (GRCh38, 1-based): chr9:130,489,366, A>C. VCF-style: chr9-130489366-A-C. GRCh37 (hg19) VCF-style: chr9-133364753-A-C.
Other names: c.872A>C, p.Tyr291Ser (NM_000050.4); short protein forms Y291S.
Identifiers: ClinVar variation 4709708 (VCV004709708.2).

ClinVar aggregate classification (germline): Likely pathogenic. Review status: criteria provided, multiple submitters, no conflicts (2 of 4 stars). 2 submissions from 2 submitters: Likely pathogenic (2). Last evaluated 2025-10-01.

Conditions:
Citrullinemia type I (CTNL1). Also called: argininosuccinate synthetase deficiency; ASS DEFICIENCY. Identifiers: Orphanet 247525, MedGen C4721769, MONDO:0008988, OMIM 215700.
Citrullinemia. Identifiers: Orphanet 187, MedGen C0175683, MONDO:0015991.

gnomAD v4.1: 2 of 1,613,460 alleles (0.00012%); highest among the groups gnomAD compares: Non-Finnish European, 0.00017%; no homozygotes.

Submissions (2):

Labcorp Genetics (formerly Invitae), Labcorp
Classification: Likely pathogenic for Citrullinemia. Last evaluated: 2025-10-01. Review status: criteria provided, single submitter. Criteria: Invitae Variant Classification Sherloc (09022015). Collection method: clinical testing. Allele origin: germline.
Comment: This sequence change replaces tyrosine, which is neutral and polar, with serine, which is neutral and polar, at codon 291 of the ASS1 protein (p.Tyr291Ser). This variant is not present in population databases (gnomAD no frequency). This missense change has been observed in individual(s) with clinical features of citrullinemia (PMID: 18925679; internal data). In at least one individual the data is consistent with being in trans (on the opposite chromosome) from a pathogenic variant. Invitae Evidence Modeling of protein sequence and biophysical properties (such as structural, functional, and spatial information, amino acid conservation, physicochemical variation, residue mobility, and thermodynamic stability) indicates that this missense variant is not expected to disrupt ASS1 protein function with a negative predictive value of 80%. In summary, the currently available evidence indicates that the variant is pathogenic, but additional data are needed to prove that conclusively. Therefore, this variant has been classified as Likely Pathogenic.

Natera, Inc.
Classification: Likely pathogenic for Citrullinemia type I. Last evaluated: 2024-09-11. Review status: criteria provided, single submitter. Criteria: Natera Variant Classification Schema (03/2026). Collection method: clinical testing. Allele origin: germline.
Comment: The c.872A>C variant in ASS1 is a missense variant predicted to cause substitution of tyrosine to serine at amino acid 291. This variant is rare in the general population with a frequency below the threshold expected for the associated phenotype(s). This variant has been observed in one or more individuals affected with the associated recessive disease, as either homozygous or compound heterozygous with a second variant (PMID: 18925679, 28111830). Computational prediction algorithms indicate this variant is likely to affect gene or protein function. Given the available evidence, this variant is classified as Likely Pathogenic.

Literature cited by the submitters: PubMed 18925679 (cited by Labcorp Genetics (formerly Invitae), Labcorp and Natera, Inc.); PubMed 28111830 (cited by Natera, Inc.).